The following is an entry in ClinVar:

NM_018669.6(WDR4):c.1159C>T (p.Gln387Ter)

Gene: WDR4 (WDR4 tRNA N7-guanosine methyltransferase non-catalytic subunit; minus strand). Cytogenetic location: 21q22.3.
Variant type: single nucleotide variant.
Coding change: c.1159C>T on transcript NM_018669.6 (MANE Select); coding-DNA position 1159, C replaced by T.
Protein change: p.Gln387Ter; replaces glutamine 387 with a stop codon.
Molecular consequence: nonsense. On other transcripts: non-coding transcript variant (1).
Genome position (GRCh38, 1-based): chr21:42,850,129, G>A on the plus strand (C>T on the coding strand, the complement: WDR4 is on the minus strand). VCF-style: chr21-42850129-G-A. GRCh37 (hg19) VCF-style: chr21-44270239-G-A.
Other names: c.1156C>T, p.Gln386Ter (NM_001260474.2); c.721C>T, p.Gln241Ter (NM_001260475.2, NM_001260476.2, NM_001260477.2 and 1 more transcripts); c.1159C>T, p.Gln387Ter (NM_033661.5); short protein forms Q386*, Q241*, Q387*.
Identifiers: ClinVar variation 2130364 (VCV002130364.4), dbSNP rs201013104, ClinGen allele CA410386300.

ClinVar aggregate classification (germline): Pathogenic (1 of 4 stars; one submission).

Submission:

Labcorp Genetics (formerly Invitae), Labcorp
Classification: Pathogenic. Last evaluated: 2022-04-27. Review status: criteria provided, single submitter. Criteria: Invitae Variant Classification Sherloc (09022015). Collection method: clinical testing. Allele origin: germline.
Comment: This variant has not been reported in the literature in individuals affected with WDR4-related conditions. This variant is not present in population databases (gnomAD no frequency). This sequence change creates a premature translational stop signal (p.Gln387*) in the WDR4 gene. It is expected to result in an absent or disrupted protein product. Loss-of-function variants in WDR4 are known to be pathogenic (PMID: 29597095, 30079490). For these reasons, this variant has been classified as Pathogenic.

Literature cited by the submitters: PubMed 29597095; PubMed 30079490.